The following is an entry in ClinVar:

NM_001004334.4(GPR179):c.4172A>C (p.Asp1391Ala)

Gene: GPR179 (G protein-coupled receptor 179; minus strand). Cytogenetic location: 17q12.
Variant type: single nucleotide variant.
Coding change: c.4172A>C on transcript NM_001004334.4 (MANE Select); coding-DNA position 4172, A replaced by C.
Protein change: p.Asp1391Ala; replaces aspartic acid 1391 with alanine.
Molecular consequence: missense variant.
Genome position (GRCh38, 1-based): chr17:38,329,397, T>G on the plus strand (A>C on the coding strand, the complement: GPR179 is on the minus strand). VCF-style: chr17-38329397-T-G. GRCh37 (hg19) VCF-style: chr17-36485280-T-G.
Other names: short protein forms D1391A.
Identifiers: ClinVar variation 1339808 (VCV001339808.3), dbSNP rs2144259445, ClinGen allele CA398877469.

ClinVar aggregate classification (germline): Uncertain significance (1 of 4 stars; one submission).

Conditions:
Congenital stationary night blindness 1E. Also called: Night blindness, congenital stationary (complete), 1E, autosomal recessive. Identifiers: Orphanet 215, MedGen C3281215, MONDO:0013807, OMIM 614565.

Allele frequency attached by ClinVar (database versions not stated): gnomAD exomes below 0.00001.

Submission:

Blueprint Genetics
Classification: Uncertain significance. Last evaluated: 2019-07-15. Review status: criteria provided, single submitter. Criteria: ACMG Guidelines, 2015. Collection method: clinical testing. Allele origin: germline.